The following is an entry in ClinVar:

ClinVar aggregate classification (germline): Pathogenic/Likely pathogenic. Review status: criteria provided, multiple submitters, no conflicts (2 of 4 stars). 8 submissions from 8 submitters: Pathogenic (5); Likely pathogenic (2). 1 of the submissions does not count toward it. Last evaluated 2025-07-04.

Conditions:
Bardet-Biedl syndrome 12 (BBS12). Identifiers: Orphanet 110, MedGen C1859570, MONDO:0014440, OMIM 615989.
Bardet-Biedl syndrome (BBS). Identifiers: Orphanet 110, MedGen C0752166, MONDO:0015229.
BBS12-related disorder. Also called: BBS12-related condition.

Submissions (8):

Laboratorio de Genetica e Diagnostico Molecular, Hospital Israelita Albert Einstein
Classification: Pathogenic for Bardet-Biedl syndrome 12. Last evaluated: 2025-07-04. Review status: criteria provided, single submitter. Criteria: ACMG Guidelines, 2015. Collection method: clinical testing. Allele origin: germline. Affected: yes.
Comment: ACMG classification criteria: PVS1 strong, PM2 supporting, PM3 strong

Labcorp Genetics (formerly Invitae), Labcorp
Classification: Pathogenic for Bardet-Biedl syndrome. Last evaluated: 2024-10-15. Review status: criteria provided, single submitter. Criteria: Invitae Variant Classification Sherloc (09022015). Collection method: clinical testing. Allele origin: germline.
Comment: This sequence change creates a premature translational stop signal (p.Pro632Phefs*7) in the BBS12 gene. While this is not anticipated to result in nonsense mediated decay, it is expected to disrupt the last 79 amino acid(s) of the BBS12 protein. This variant is present in population databases (no rsID available, gnomAD 0.0009%). This premature translational stop signal has been observed in individual(s) with Bardet-Biedl syndrome (PMID: 17160889, 20472660). This variant is also known as 1890delCT. ClinVar contains an entry for this variant (Variation ID: 866623). This variant disrupts a region of the BBS12 protein in which other variant(s) (p.Arg675*) have been determined to be pathogenic (PMID: 20827784, 21642631). This suggests that this is a clinically significant region of the protein, and that variants that disrupt it are likely to be disease-causing. For these reasons, this variant has been classified as Pathogenic.

Blueprint Genetics
Classification: Pathogenic for BBS12-related disorders. Last evaluated: 2023-08-25. Review status: criteria provided, single submitter. Criteria: ACMG Guidelines, 2015. Collection method: clinical testing. Allele origin: germline. Affected: yes. Observed: 5 variant alleles.

Broad Center for Mendelian Genomics, Broad Institute of MIT and Harvard
Classification: Likely pathogenic for Bardet-Biedl syndrome 12. Last evaluated: 2023-05-02. Review status: criteria provided, single submitter. Criteria: ACMG Guidelines, 2015. Collection method: curation. Allele origin: germline. Inheritance: Autosomal recessive inheritance.
Comment: The p.Pro632PhefsTer7 variant in BBS12 has been previously reported in 5 unrelated individuals with Bardet-Biedl syndrome 12 (PMID: 30614526, PMID: 33532864, PMID: 20472660, PMID: 17160889) but has been identified in 0.0009% (1/113452) of European (non-Finnish) chromosomes by the Genome Aggregation Database (gnomAD; dbSNP rs765915863). Although this variant has been seen in the general population in a heterozygous state, its frequency is low enough to be consistent with a recessive carrier frequency. Of these 5 previously reported unrelated individuals (PMID: 30614526, PMID: 33532864, PMID: 20472660, PMID: 17160889), one was a compound heterozygote who carried a likely pathogenic variant in trans (PMID: 30614526, ClinVar Variation ID: 1151) and four were compound heterozygotes who carried variants of uncertain significance in trans (PMID: 33532864, PMID: 20472660, ClinVar Variation ID: ClinVar ID 974416; PMID: 17160889, NC_000004.12:g.122743410_122743412del, NC_000004.12:g.122743671_122743672insA), which increases the likelihood that the p.Pro632PhefsTer7 variant is pathogenic. This variant has also been reported in ClinVar (Variation ID: 866623) and has been interpreted as pathogenic or likely pathogenic by multiple submitters. This variant is predicted to cause a frameshift, which alters the protein‚Äôs amino acid sequence beginning at position 632 and leads to a premature termination codon 7 amino acids downstream. This termination codon occurs within the last exon and is more likely to escape nonsense mediated decay (NMD) and result in a truncated protein. Loss of function of the BBS12 gene is an established disease mechanism in autosomal recessive Bardet-Biedl syndrome 12. In summary, although additional studies are required to fully establish its clinical significance, this variant is likely pathogenic for autosomal recessive Bardet-Biedl syndrome 12. ACMG/AMP Criteria applied: PVS1_Moderate, PM2_Supporting, PM3_Strong (Richards 2015).

Laboratory of Medical Genetics (UMR_S 1112), INSERM/Strasbourg University
Classification: Pathogenic for Bardet-Biedl syndrome 12. Last evaluated: 2022-08-09. Review status: criteria provided, single submitter. Criteria: ACMG Guidelines, 2015. Collection method: clinical testing. Allele origin: inherited. Affected: yes. Observed: 8 variant alleles, 1 homozygote.

Fulgent Genetics
Classification: Likely pathogenic for Bardet-Biedl syndrome 12. Last evaluated: 2022-04-20. Review status: criteria provided, single submitter. Criteria: ACMG Guidelines, 2015. Collection method: clinical testing. Allele origin: unknown.

Molecular Biology Laboratory, Fundació Puigvert
Classification: Pathogenic for Bardet-Biedl syndrome 12. Last evaluated: 2020-02-01. Review status: criteria provided, single submitter. Criteria: ACMG Guidelines, 2015. Collection method: research. Allele origin: paternal. Affected: yes. Study: KidneyPanel_2020.

PreventionGenetics, part of Exact Sciences
Classification: Pathogenic for BBS12-related condition. Last evaluated: 2024-01-31. Review status: no assertion criteria provided. Collection method: clinical testing. Allele origin: germline. Not counted in ClinVar's aggregate classification.
Comment: The BBS12 c.1893_1894delTC variant is predicted to result in a frameshift and premature protein termination (p.Pro632Phefs*7). This variant has been reported in the compound heterozygous state in patients with Bardet-Biedl syndrome (referred to as c.1890delCT in Stoetzel et al. 2007. PubMed ID: 17160889; Billingsley et al. 2010. PubMed ID: 20472660; Deveault et al. 2011. PubMed ID: 21344540). This variant is reported in 0.00088% of alleles in individuals of European (Non-Finnish) descent in gnomAD. Frameshift variants in BBS12 are expected to be pathogenic. This variant is interpreted as pathogenic.

Literature cited by the submitters: PubMed 17160889 (cited by Labcorp Genetics (formerly Invitae), Labcorp); PubMed 20472660 (cited by Labcorp Genetics (formerly Invitae), Labcorp); PubMed 20827784 (cited by Labcorp Genetics (formerly Invitae), Labcorp); PubMed 21642631 (cited by Labcorp Genetics (formerly Invitae), Labcorp); DOI doi:10.1155/2023/2564200 (cited by Laboratory of Medical Genetics (UMR_S 1112), INSERM/Strasbourg University); PubMed 33532864 (cited by Molecular Biology Laboratory, Fundació Puigvert).

NM_152618.3(BBS12):c.1893_1894del (p.Pro632fs)

Gene: BBS12 (Bardet-Biedl syndrome 12; plus strand). Cytogenetic location: 4q27.
Variant type: Microsatellite.
Coding change: c.1893_1894del on transcript NM_152618.3 (MANE Select); coding-DNA positions 1893 to 1894, 2 bases deleted (TC; older notation c.1893_1894delTC).
Protein change: p.Pro632fs; shifts the reading frame from proline 632.
Molecular consequence: frameshift variant.
Genome position (GRCh38, 1-based): chr4:122,743,785-122,743,786, TC deleted; deleting any 2 consecutive bases within chr4:122,743,782-122,743,786 gives the same sequence; the c. name uses the placement nearest the transcript's 3' end. VCF-style (leftmost placement, unchanged base first): chr4-122743781-GCT-G. GRCh37 (hg19) VCF-style: chr4-123664936-GCT-G.
Other names: NM_152618.3(BBS12):c.1893_1894del; p.Pro632fs; c.1893_1894del, p.Pro632fs (NM_001178007.2); c.1890_1891del (NM_152618.3); c.1893_1894delTC (NM_152618.2); short protein forms P632fs.
Identifiers: ClinVar variation 866623 (VCV000866623.45), dbSNP rs1560708847, ClinGen allele CA554526999.